The following is an entry in ClinVar:

NM_000384.3(APOB):c.12483A>G (p.Gln4161=)

Gene: APOB (apolipoprotein B; minus strand). Cytogenetic location: 2p24.1.
Variant type: single nucleotide variant.
Coding change: c.12483A>G on transcript NM_000384.3 (MANE Select); coding-DNA position 12483, A replaced by G.
Protein change: p.Gln4161=; no amino-acid change (glutamine 4161 retained).
Molecular consequence: synonymous variant.
Genome position (GRCh38, 1-based): chr2:21,002,939, T>C on the plus strand (A>G on the coding strand, the complement: APOB is on the minus strand). VCF-style: chr2-21002939-T-C. GRCh37 (hg19) VCF-style: chr2-21225811-T-C.
Other names: p.Gln4161=.
Identifiers: ClinVar variation 3392998 (VCV003392998.2).

ClinVar aggregate classification (germline): Likely benign. Review status: criteria provided, multiple submitters, no conflicts (2 of 4 stars). 2 submissions from 2 submitters: Likely benign (2). Last evaluated 2025-08-07.

Conditions:
Familial hypercholesterolemia. Also called: Familial hypercholesterolaemia. Identifiers: MedGen C0020445, MONDO:0005439.

gnomAD v4.1: 13 of 1,612,384 alleles (0.00081%); highest among the groups gnomAD compares: Non-Finnish European, 0.0011%; no homozygotes.

Submissions (2):

Mayo Clinic Laboratories, Mayo Clinic
Classification: Likely benign. Last evaluated: 2025-08-07. Review status: criteria provided, single submitter. Criteria: ACMG Guidelines, 2015. Collection method: clinical testing. Allele origin: germline. Observed: 1 variant allele.
Comment: BP4, BP7

GENinCode PLC
Classification: Likely benign for Familial hypercholesterolemia. Last evaluated: 2024-04-29. Review status: criteria provided, single submitter. Criteria: ACMG Guidelines, 2015. Collection method: clinical testing. Allele origin: germline.
Comment: This is a synonymous (silent) variant that is not predicted by SpliceAI to impact splicing. In addition, it occurs at a nucleotide that is not conserved. Therefore this variant has been classified as Likely Benign (BP4, BP7).